The following is an entry in ClinVar:

NM_001081.4(CUBN):c.5069C>T (p.Ala1690Val)

Gene: CUBN (cubilin; minus strand). Cytogenetic location: 10p13.
Variant type: single nucleotide variant.
Coding change: c.5069C>T on transcript NM_001081.4 (MANE Select); coding-DNA position 5069, C replaced by T.
Protein change: p.Ala1690Val; replaces alanine 1690 with valine.
Molecular consequence: missense variant.
Genome position (GRCh38, 1-based): chr10:16,950,012, G>A on the plus strand (C>T on the coding strand, the complement: CUBN is on the minus strand). VCF-style: chr10-16950012-G-A. GRCh37 (hg19) VCF-style: chr10-16992011-G-A.
Other names: p.Ala1690Val; short protein forms A1690V.
Identifiers: ClinVar variation 299474 (VCV000299474.34), dbSNP rs141640975, ClinGen allele CA5424158.

ClinVar aggregate classification (germline): Conflicting classifications of pathogenicity. Review status: criteria provided, conflicting classifications (1 of 4 stars). 9 submissions from 9 submitters: Uncertain significance (6); Likely benign (2). 1 of the submissions does not count toward it. Last evaluated 2025-10-06.

Conditions:
CUBN-related disorder. Also called: CUBN-related condition.
Imerslund-Grasbeck syndrome type 1 (IGS1). Also called: Megaloblastic anemia 1, Finnish type; MEGALOBLASTIC ANEMIA, 1; Imerslund-Gräsbeck syndrome 1. Identifiers: MedGen C4016819, MONDO:0100156, OMIM 261100.
Imerslund-Grasbeck syndrome. Also called: Megaloblastic anemia due to inborn errors of metabolism; Imerslund-Gräsbeck syndrome; ENTEROCYTE COBALAMIN MALABSORPTION; ENTEROCYTE INTRINSIC FACTOR RECEPTOR, DEFECT OF; PERNICIOUS ANEMIA, JUVENILE, DUE TO SELECTIVE INTESTINAL MALABSORPTION OF VITAMIN B12, WITH PROTEINURIA. Identifiers: Orphanet 35858, MedGen C4551825, MONDO:0009853.
Proteinuria, chronic benign. Identifiers: MedGen C5394384, MONDO:0030042, OMIM 618884.

Allele frequency attached by ClinVar (database versions not stated): gnomAD exomes 0.00174 and 0.00214; TOPMed 0.00128; 1000 Genomes Project 30x 0.00062; gnomAD 0.00148 and 0.00155; ExAC 0.00225; ESP Exome Variant Server 0.00161; 1000 Genomes Project 0.00080.
gnomAD v4.1: 3,324 of 1,613,104 alleles (0.21%); highest among the groups gnomAD compares: Non-Finnish European, 0.26%; 5 homozygotes.

Submissions (9):

Labcorp Genetics (formerly Invitae), Labcorp
Classification: Likely benign for Imerslund-Grasbeck syndrome. Last evaluated: 2025-10-06. Review status: criteria provided, single submitter. Criteria: Invitae Variant Classification Sherloc (09022015). Collection method: clinical testing. Allele origin: germline.

Fulgent Genetics
Classification: Uncertain significance for Imerslund-Grasbeck syndrome type 1; Proteinuria, chronic benign. Last evaluated: 2024-06-24. Review status: criteria provided, single submitter. Criteria: ACMG Guidelines, 2015. Collection method: clinical testing. Allele origin: germline.

Mayo Clinic Laboratories, Mayo Clinic
Classification: Uncertain significance. Last evaluated: 2024-04-12. Review status: criteria provided, single submitter. Criteria: ACMG Guidelines, 2015. Collection method: clinical testing. Allele origin: germline. Observed: 1 variant allele.
Comment: BS1

Women's Health and Genetics/Laboratory Corporation of America, LabCorp
Classification: Uncertain significance. Last evaluated: 2024-03-20. Review status: criteria provided, single submitter. Criteria: LabCorp Variant Classification Summary - May 2015. Collection method: clinical testing. Allele origin: germline.
Comment: Variant summary: CUBN c.5069C>T (p.Ala1690Val) results in a non-conservative amino acid change located in the CUB domain (IPR000859) of the encoded protein sequence. Four of five in-silico tools predict a damaging effect of the variant on protein function. The variant allele was found at a frequency of 0.0017 in 250532 control chromosomes in the gnomAD database, including 1 homozygotes. c.5069C>T has been reported in the literature in at-least one individual affected with steroid-resistant nephrotic syndrome (example: Sadowski_ 2015) and others have reported this variant is associated with albuminuria in European population (example: Haas_2018, Ahluwalia_ 2019). These data do not allow any conclusion about variant significance. To our knowledge, no experimental evidence demonstrating an impact on protein function has been reported. The following publications have been ascertained in the context of this evaluation (PMID: 30547231, 30220432, 25349199). ClinVar contains an entry for this variant (Variation ID: 299474). Based on the evidence outlined above, the variant was classified as uncertain significance.

GeneDx
Classification: Uncertain significance. Last evaluated: 2021-10-21. Review status: criteria provided, single submitter. Criteria: GeneDx Variant Classification Process June 2021. Collection method: clinical testing. Allele origin: germline. Affected: yes.
Comment: In silico analysis supports that this missense variant has a deleterious effect on protein structure/function; This variant is associated with the following publications: (PMID: 25349199, 31613795, 30547231, 30220432, 31630189)

Illumina Laboratory Services, Illumina
Classification: Likely benign for Imerslund-Grasbeck syndrome type 1. Last evaluated: 2018-01-12. Review status: criteria provided, single submitter. Criteria: ICSL Variant Classification Criteria 13 December 2019. Collection method: clinical testing. Allele origin: germline.
Comment: This variant was observed in the ICSL laboratory as part of a predisposition screen in an ostensibly healthy population. It had not been previously curated by ICSL or reported in the Human Gene Mutation Database (HGMD: prior to June 1st, 2018), and was therefore a candidate for classification through an automated scoring system. Utilizing variant allele frequency, disease prevalence and penetrance estimates, and inheritance mode, an automated score was calculated to assess if this variant is too frequent to cause the disease. Based on the score and internal cut-off values, a variant classified as likely benign is not then subjected to further curation. The score for this variant resulted in a classification of likely benign for this disease.

Eurofins Ntd Llc (ga)
Classification: Uncertain significance. Last evaluated: 2017-09-22. Review status: criteria provided, single submitter. Criteria: EGL Classification Definitions 2015. Collection method: clinical testing. Allele origin: germline. Observed: 2 variant alleles, 2 heterozygotes.

ARUP Laboratories, Molecular Genetics and Genomics, ARUP Laboratories
Classification: Uncertain significance. Last evaluated: 2016-08-08. Review status: criteria provided, single submitter. Criteria: ARUP Molecular Germline Variant Investigation Process. Collection method: clinical testing. Allele origin: germline.

PreventionGenetics, part of Exact Sciences
Classification: Likely benign for CUBN-related condition. Last evaluated: 2022-03-07. Review status: no assertion criteria provided. Collection method: clinical testing. Allele origin: germline. Not counted in ClinVar's aggregate classification.
Comment: This variant is classified as likely benign based on ACMG/AMP sequence variant interpretation guidelines (Richards et al. 2015 PMID: 25741868, with internal and published modifications).

Literature cited by the submitters: PubMed 25349199 (cited by Mayo Clinic Laboratories, Mayo Clinic and Women's Health and Genetics/Laboratory Corporation of America, LabCorp); PubMed 30220432 (cited by Mayo Clinic Laboratories, Mayo Clinic and Women's Health and Genetics/Laboratory Corporation of America, LabCorp); PubMed 30547231 (cited by Mayo Clinic Laboratories, Mayo Clinic and Women's Health and Genetics/Laboratory Corporation of America, LabCorp); PubMed 31613795 (cited by Mayo Clinic Laboratories, Mayo Clinic); PubMed 31630189 (cited by Mayo Clinic Laboratories, Mayo Clinic); PubMed 36926036 (cited by Mayo Clinic Laboratories, Mayo Clinic); PubMed 37312928 (cited by Mayo Clinic Laboratories, Mayo Clinic).